The following is an entry in ClinVar:

NM_001365536.1(SCN9A):c.1025C>T (p.Thr342Met)

Genes: SCN9A (sodium voltage-gated channel alpha subunit 9; minus strand), SCN1A-AS1 (SCN1A and SCN9A antisense RNA 1; plus strand). Cytogenetic location: 2q24.3.
Variant type: single nucleotide variant.
Coding change: c.1025C>T on transcript NM_001365536.1 (MANE Select); coding-DNA position 1025, C replaced by T.
Protein change: p.Thr342Met; replaces threonine 342 with methionine.
Molecular consequence: missense variant.
Genome position (GRCh38, 1-based): chr2:166,293,313, G>A on the plus strand (C>T on the coding strand, the complement: SCN9A is on the minus strand). VCF-style: chr2-166293313-G-A. GRCh37 (hg19) VCF-style: chr2-167149823-G-A.
Other names: c.1025C>T, p.Thr342Met (NM_002977.4); short protein forms T342M.
Identifiers: ClinVar variation 857715 (VCV000857715.10), dbSNP rs772249726, ClinGen allele CA1944609.

ClinVar aggregate classification (germline): Uncertain significance (1 of 4 stars; one submission).

Conditions:
Generalized epilepsy with febrile seizures plus, type 7 (GEFSP7). Also called: GEFS+, TYPE 7. Identifiers: Orphanet 36387, MedGen C2751778, MONDO:0013470, OMIM 613863.
Neuropathy, hereditary sensory and autonomic, type 2A (HSAN2A). Also called: WNK1-Related HSAN2 (HSAN2A); MORVAN DISEASE; NEUROPATHY, CONGENITAL SENSORY; NEUROPATHY, HEREDITARY SENSORY RADICULAR, AUTOSOMAL RECESSIVE; NEUROPATHY, HEREDITARY SENSORY, TYPE IIA; NEUROPATHY, PROGRESSIVE SENSORY, OF CHILDREN. Identifiers: Orphanet 970, MedGen C2752089, MONDO:0024309, OMIM 201300.

Allele frequency attached by ClinVar (database versions not stated): gnomAD exomes 0.00001; TOPMed 0.00001; ExAC 0.00003.
gnomAD v4.1: 8 of 1,607,090 alleles (0.0005%); highest among the groups gnomAD compares: Admixed American, 0.0034%; no homozygotes.

Submission:

Labcorp Genetics (formerly Invitae), Labcorp
Classification: Uncertain significance for Neuropathy, hereditary sensory and autonomic, type 2A; Generalized epilepsy with febrile seizures plus, type 7. Last evaluated: 2025-04-21. Review status: criteria provided, single submitter. Criteria: Invitae Variant Classification Sherloc (09022015). Collection method: clinical testing. Allele origin: germline.
Comment: This sequence change replaces threonine, which is neutral and polar, with methionine, which is neutral and non-polar, at codon 342 of the SCN9A protein (p.Thr342Met). The frequency data for this variant in the population databases is considered unreliable, as metrics indicate poor data quality at this position in the gnomAD database. This variant has not been reported in the literature in individuals affected with SCN9A-related conditions. ClinVar contains an entry for this variant (Variation ID: 857715). Invitae Evidence Modeling of protein sequence and biophysical properties (such as structural, functional, and spatial information, amino acid conservation, physicochemical variation, residue mobility, and thermodynamic stability) has been performed for this missense variant. However, the output from this modeling did not meet the statistical confidence thresholds required to predict the impact of this variant on SCN9A protein function. In summary, the available evidence is currently insufficient to determine the role of this variant in disease. Therefore, it has been classified as a Variant of Uncertain Significance.